The following is an entry in ClinVar:

NM_032898.5(CEP19):c.193G>A (p.Val65Ile)

Gene: CEP19 (centrosomal protein 19; minus strand). Cytogenetic location: 3q29.
Variant type: single nucleotide variant.
Coding change: c.193G>A on transcript NM_032898.5 (MANE Select); coding-DNA position 193, G replaced by A.
Protein change: p.Val65Ile; replaces valine 65 with isoleucine.
Molecular consequence: missense variant.
Genome position (GRCh38, 1-based): chr3:196,707,850, C>T on the plus strand (G>A on the coding strand, the complement: CEP19 is on the minus strand). VCF-style: chr3-196707850-C-T. GRCh37 (hg19) VCF-style: chr3-196434721-C-T.
Other names: c.88G>A, p.Val30Ile (NM_001379468.1); c.193G>A, p.Val65Ile (NM_001379469.1, NM_001379470.1); short protein forms V30I, V65I.
Identifiers: ClinVar variation 1713363 (VCV001713363.5), dbSNP rs2474228224, ClinGen allele CA355634551.
Genomic context (GRCh38, chr3:196,707,850, plus strand): 5'-TCTGCCCCGACAAGTAACCTCGTAAAAAACTGAATAGCTTCTCTAGCTGCCTCAGGGATA[C>T]TTGTTCTAGGTAACTCTTGTGTCGCGGATTATTCTTTAATTGTTCAGCAGCTCTGGTGCA-3'
Protein context (NP_116287.3, residues 55-75): NPRHKSYLEQ[Val65Ile]SLRQLEKLFS

ClinVar aggregate classification (germline): Uncertain significance (1 of 4 stars; one submission).

Submission:

Labcorp Genetics (formerly Invitae), Labcorp
Classification: Uncertain significance. Last evaluated: 2022-07-22. Review status: criteria provided, single submitter. Criteria: Invitae Variant Classification Sherloc (09022015). Collection method: clinical testing. Allele origin: germline.
Comment: In summary, the available evidence is currently insufficient to determine the role of this variant in disease. Therefore, it has been classified as a Variant of Uncertain Significance. Algorithms developed to predict the effect of missense changes on protein structure and function are either unavailable or do not agree on the potential impact of this missense change (SIFT: "Deleterious"; PolyPhen-2: "Benign"; Align-GVGD: "Class C25"). This variant has not been reported in the literature in individuals affected with CEP19-related conditions. This variant is not present in population databases (gnomAD no frequency). This sequence change replaces valine, which is neutral and non-polar, with isoleucine, which is neutral and non-polar, at codon 69 of the CEP19 protein (p.Val69Ile).